The following is an entry in ClinVar:

ClinVar aggregate classification (germline): Benign/Likely benign. Review status: criteria provided, multiple submitters, no conflicts (2 of 4 stars). 4 submissions from 4 submitters: Benign (1); Likely benign (2). 1 of the submissions does not count toward it. Last evaluated 2025-11-09.

Conditions:
NECAP1-related disorder. Also called: NECAP1-related condition.
Developmental and epileptic encephalopathy, 21 (DEE21). Also called: Early infantile epileptic encephalopathy 21. Identifiers: Orphanet 442835, MedGen C4014430, MONDO:0014360, OMIM 615833.

Allele frequency attached by ClinVar (database versions not stated): ESP Exome Variant Server 0.00023; gnomAD 0.00029; TOPMed 0.00060; ExAC 0.00073; 1000 Genomes Project 30x 0.00156; 1000 Genomes Project 0.00180.

Submissions (4):

Labcorp Genetics (formerly Invitae), Labcorp
Classification: Benign for Developmental and epileptic encephalopathy, 21. Last evaluated: 2025-11-09. Review status: criteria provided, single submitter. Criteria: Invitae Variant Classification Sherloc (09022015). Collection method: clinical testing. Allele origin: germline.

Blueprint Genetics
Classification: Likely benign. Last evaluated: 2024-11-26. Review status: criteria provided, single submitter. Criteria: ACMG Guidelines, 2015. Collection method: clinical testing. Allele origin: germline.

CeGaT Center for Human Genetics Tuebingen
Classification: Likely benign. Last evaluated: 2022-03-01. Review status: criteria provided, single submitter. Criteria: CeGaT Center For Human Genetics Tuebingen Variant Classification Criteria Version 2. Collection method: clinical testing. Allele origin: germline. Affected: yes. Observed: 1 variant allele.
Comment: NECAP1: BP4, BP7

PreventionGenetics, part of Exact Sciences
Classification: Benign for NECAP1-related condition. Last evaluated: 2019-10-28. Review status: no assertion criteria provided. Collection method: clinical testing. Allele origin: germline. Not counted in ClinVar's aggregate classification.
Comment: This variant is classified as benign based on ACMG/AMP sequence variant interpretation guidelines (Richards et al. 2015 PMID: 25741868, with internal and published modifications).

NM_015509.4(NECAP1):c.69G>A (p.Pro23=)

Genes: NECAP1 (NECAP endocytosis associated 1; plus strand), LOC126861440 (MED14-independent group 3 enhancer GRCh37_chr12:8234132-8235331; plus strand). Cytogenetic location: 12p13.31.
Variant type: single nucleotide variant.
Coding change: c.69G>A on transcript NM_015509.4 (MANE Select); coding-DNA position 69, G replaced by A.
Protein change: p.Pro23=; no amino-acid change (proline 23 retained).
Molecular consequence: synonymous variant. On other transcripts: non-coding transcript variant (1).
Genome position (GRCh38, 1-based): chr12:8,082,357, G>A. VCF-style: chr12-8082357-G-A. GRCh37 (hg19) VCF-style: chr12-8234953-G-A.
Identifiers: ClinVar variation 783103 (VCV000783103.45), dbSNP rs149738880, ClinGen allele CA6432140.